The following is an entry in ClinVar:

NM_004656.4(BAP1):c.1520T>C (p.Leu507Pro)

Gene: BAP1 (BRCA1 associated deubiquitinase 1; minus strand). Cytogenetic location: 3p21.1.
Variant type: single nucleotide variant.
Coding change: c.1520T>C on transcript NM_004656.4 (MANE Select); coding-DNA position 1520, T replaced by C.
Protein change: p.Leu507Pro; replaces leucine 507 with proline.
Molecular consequence: missense variant.
Genome position (GRCh38, 1-based): chr3:52,403,625, A>G on the plus strand (T>C on the coding strand, the complement: BAP1 is on the minus strand). VCF-style: chr3-52403625-A-G. GRCh37 (hg19) VCF-style: chr3-52437641-A-G.
Other names: short protein forms L507P.
Identifiers: ClinVar variation 924761 (VCV000924761.4), dbSNP rs1705046118, ClinGen allele CA353100855.

ClinVar aggregate classification (germline): Uncertain significance (1 of 4 stars; one submission).

Conditions:
Hereditary cancer-predisposing syndrome. Also called: Neoplastic Syndromes, Hereditary; Tumor predisposition; Hereditary Cancer Syndrome; Hereditary neoplastic syndrome. Identifiers: Orphanet 140162, MedGen C0027672, MeSH D009386, MONDO:0015356.

Submission:

Color Diagnostics, LLC DBA Color Health
Classification: Uncertain significance for Hereditary cancer-predisposing syndrome. Last evaluated: 2023-12-04. Review status: criteria provided, single submitter. Criteria: ACMG Guidelines, 2015. Collection method: clinical testing. Allele origin: germline.
Comment: This missense variant replaces leucine with proline at codon 507 of the BAP1 protein. Computational prediction suggests that this variant may not impact protein structure and function (internally defined REVEL score threshold <= 0.5, PMID: 27666373). To our knowledge, functional studies have not been reported for this variant. This variant has not been reported in individuals affected with BAP1-related disorders in the literature. This variant has not been identified in the general population by the Genome Aggregation Database (gnomAD). The available evidence is insufficient to determine the role of this variant in disease conclusively. Therefore, this variant is classified as a Variant of Uncertain Significance.